The following is an entry in ClinVar:

ClinVar aggregate classification (germline): Uncertain significance (1 of 4 stars; one submission).

Conditions:
Inborn genetic diseases. Identifiers: MedGen C0950123, MeSH D030342.

Allele frequency attached by ClinVar (database versions not stated): gnomAD exomes below 0.00001.
gnomAD v4.1: 1 of 1,614,224 alleles (0.000062%); highest among the groups gnomAD compares: Non-Finnish European, 0.000085%; no homozygotes.

Submission:

Ambry Genetics
Classification: Uncertain significance for Inborn genetic diseases. Last evaluated: 2025-09-28. Review status: criteria provided, single submitter. Criteria: Ambry Variant Classification Scheme 2023. Collection method: clinical testing. Allele origin: germline.
Comment: The p.D1032N variant (also known as c.3094G>A), located in coding exon 13 of the ASXL1 gene, results from a G to A substitution at nucleotide position 3094. The aspartic acid at codon 1032 is replaced by asparagine, an amino acid with highly similar properties. This amino acid position is conserved. In addition, this alteration is predicted to be tolerated by in silico analysis. Based on the available evidence, the clinical significance of this variant remains unclear.

NM_015338.6(ASXL1):c.3094G>A (p.Asp1032Asn)

Gene: ASXL1 (ASXL transcriptional regulator 1; plus strand). Cytogenetic location: 20q11.21.
Variant type: single nucleotide variant.
Coding change: c.3094G>A on transcript NM_015338.6 (MANE Select); coding-DNA position 3094, G replaced by A.
Protein change: p.Asp1032Asn; replaces aspartic acid 1032 with asparagine.
Molecular consequence: missense variant.
Genome position (GRCh38, 1-based): chr20:32,435,806, G>A. VCF-style: chr20-32435806-G-A. GRCh37 (hg19) VCF-style: chr20-31023609-G-A.
Other names: c.2911G>A, p.Asp971Asn (NM_001363734.1); short protein forms D1032N, D971N.
Identifiers: ClinVar variation 2306144 (VCV002306144.3), dbSNP rs2515576266, ClinGen allele CA408562334.